The following is an entry in ClinVar:

ClinVar aggregate classification (germline): Benign. Review status: criteria provided, multiple submitters, no conflicts (2 of 4 stars). 2 submissions from 2 submitters: Benign (2). Last evaluated 2018-06-14.

Allele frequency attached by ClinVar (database versions not stated): 1000 Genomes Project 30x 0.62742; TOPMed 0.63392; 1000 Genomes Project 0.63458; gnomAD 0.64478 and 0.65017; gnomAD exomes 0.71171.

Submissions (2):

GeneDx
Classification: Benign. Last evaluated: 2018-06-14. Review status: criteria provided, single submitter. Criteria: GeneDx Variant Classification (06012015). Collection method: clinical testing. Allele origin: germline. Affected: yes.
Comment: This variant is considered likely benign or benign based on one or more of the following criteria: it is a conservative change, it occurs at a poorly conserved position in the protein, it is predicted to be benign by multiple in silico algorithms, and/or has population frequency not consistent with disease.

Breakthrough Genomics
Classification: Benign. Review status: criteria provided, single submitter. Criteria: ACMG Guidelines, 2015. Collection method: not provided. Allele origin: germline. Inheritance: Autosomal recessive inheritance. Affected: yes.

NM_005566.4(LDHA):c.127-173T>A

Gene: LDHA (lactate dehydrogenase A; plus strand). Cytogenetic location: 11p15.1.
Variant type: single nucleotide variant.
Coding change: c.127-173T>A on transcript NM_005566.4 (MANE Select); 173 bases into the intron before coding-DNA position 127, T replaced by A.
Molecular consequence: intron variant.
Genome position (GRCh38, 1-based): chr11:18,399,258, T>A. VCF-style: chr11-18399258-T-A. GRCh37 (hg19) VCF-style: chr11-18420805-T-A.
Other names: c.127-173T>A (NM_001165416.2, NM_001135239.2, NM_001165415.2); c.214-173T>A (NM_001165414.2).
Identifiers: ClinVar variation 683024 (VCV000683024.2), dbSNP rs7121244, ClinGen allele CA13479050.
Genomic context (GRCh38, chr11:18,399,258, plus strand): 5'-TAGAGCTCGCTTCAGTGGGGAGACAGGGCTGGAGAGAGGGTCAGTGCTATCTATGTAGGG[T>A]GTAATCTGTAAGTCAGCTTTTGAAATGGGGTGCCCTCTACTTTGAATATCTCGATACTGT-3'